The following is an entry in ClinVar:

NM_016203.4(PRKAG2):c.865G>C (p.Val289Leu)

Gene: PRKAG2 (protein kinase AMP-activated non-catalytic subunit gamma 2; minus strand). Cytogenetic location: 7q36.1.
Variant type: single nucleotide variant.
Coding change: c.865G>C on transcript NM_016203.4 (MANE Select); coding-DNA position 865, G replaced by C.
Protein change: p.Val289Leu; replaces valine 289 with leucine.
Molecular consequence: missense variant.
Genome position (GRCh38, 1-based): chr7:151,576,452, C>G on the plus strand (G>C on the coding strand, the complement: PRKAG2 is on the minus strand). VCF-style: chr7-151576452-C-G. GRCh37 (hg19) VCF-style: chr7-151273538-C-G.
Other names: p.V289L:GTT>CTT; c.733G>C, p.Val245Leu (NM_001040633.2); c.490G>C, p.Val164Leu (NM_001304527.2); c.142G>C, p.Val48Leu (NM_001304531.2, NM_024429.2); c.493G>C, p.Val165Leu (NM_001363698.2); short protein forms V289L, V245L, V165L, V48L, V164L.
Identifiers: ClinVar variation 181472 (VCV000181472.8), dbSNP rs397517282, ClinGen allele CA014585.

ClinVar aggregate classification (germline): Uncertain significance. Review status: criteria provided, multiple submitters, no conflicts (2 of 4 stars). 2 submissions from 2 submitters: Uncertain significance (2). Last evaluated 2024-02-17.

Conditions:
Lethal congenital glycogen storage disease of heart. Also called: GLYCOGEN STORAGE DISEASE OF HEART; PHOSPHORYLASE KINASE DEFICIENCY OF HEART. Identifiers: Orphanet 439854, MedGen C1849813, MONDO:0009867, OMIM 261740.

Submissions (2):

Labcorp Genetics (formerly Invitae), Labcorp
Classification: Uncertain significance for Lethal congenital glycogen storage disease of heart. Last evaluated: 2024-02-17. Review status: criteria provided, single submitter. Criteria: Invitae Variant Classification Sherloc (09022015). Collection method: clinical testing. Allele origin: germline.
Comment: This sequence change replaces valine, which is neutral and non-polar, with leucine, which is neutral and non-polar, at codon 289 of the PRKAG2 protein (p.Val289Leu). This variant is not present in population databases (gnomAD no frequency). This variant has not been reported in the literature in individuals affected with PRKAG2-related conditions. ClinVar contains an entry for this variant (Variation ID: 181472). An algorithm developed to predict the effect of missense changes on protein structure and function (PolyPhen-2) suggests that this variant is likely to be disruptive. In summary, the available evidence is currently insufficient to determine the role of this variant in disease. Therefore, it has been classified as a Variant of Uncertain Significance.

GeneDx
Classification: Uncertain significance. Last evaluated: 2019-05-22. Review status: criteria provided, single submitter. Criteria: GeneDx Variant Classification Process June 2021. Collection method: clinical testing. Allele origin: germline. Affected: yes.
Comment: Not observed in large population cohorts (Lek et al., 2016); In silico analysis, which includes protein predictors and evolutionary conservation, supports a deleterious effect; Has not been previously published as pathogenic or benign to our knowledge